The following is an entry in ClinVar:

ClinVar aggregate classification (germline): Likely benign (0 of 4 stars; one submission).

Conditions:
ATP8A2-related disorder. Also called: ATP8A2-related condition.

Allele frequency attached by ClinVar (database versions not stated): gnomAD exomes below 0.00001.
gnomAD v4.1: 1 of 1,592,926 alleles (0.000063%); highest among the groups gnomAD compares: Non-Finnish European, 0.000085%; no homozygotes.

Submission:

PreventionGenetics, part of Exact Sciences
Classification: Likely benign for ATP8A2-related condition. Last evaluated: 2019-09-06. Review status: no assertion criteria provided. Collection method: clinical testing. Allele origin: germline.
Comment: This variant is classified as likely benign based on ACMG/AMP sequence variant interpretation guidelines (Richards et al. 2015 PMID: 25741868, with internal and published modifications).

NM_016529.6(ATP8A2):c.1713-10A>G

Gene: ATP8A2 (ATPase phospholipid transporting 8A2). Cytogenetic location: 13q12.13.
Variant type: single nucleotide variant.
Coding change: c.1713-10A>G on transcript NM_016529.6 (MANE Select); 10 bases into the intron before coding-DNA position 1713, A replaced by G.
Molecular consequence: intron variant.
Genome position (GRCh38, 1-based): chr13:25,577,059, A>G. VCF-style: chr13-25577059-A-G. GRCh37 (hg19) VCF-style: chr13-26151197-A-G.
Other names: c.1713-10A>G (NM_001411005.1, NM_001411006.1); c.1593-10A>G (NM_001313741.1).
Identifiers: ClinVar variation 3053355 (VCV003053355.2), dbSNP rs1262046175, ClinGen allele CA2622403148.
Genomic context (GRCh38, chr13:25,577,059, plus strand): 5'-TGGTGTTCAGCTGTGGGATATGCATCCTGTAAACAGACCAATGATGACTTTTTTTTTTTC[A>G]CTCTCCCAGTGACAGAAAAAGAATGTCTGTAATTGTTCGAACTCCTTCAGGACGACTTCG-3'